The following is an entry in ClinVar:

ClinVar aggregate classification (germline): Uncertain significance (1 of 4 stars; one submission).

Conditions:
Gorlin syndrome. Also called: Nevoid Basal Cell Carcinoma Syndrome; Basal cell nevus syndrome. Identifiers: Orphanet 377, MedGen C0004779, MONDO:0007187.

Submission:

Labcorp Genetics (formerly Invitae), Labcorp
Classification: Uncertain significance for Gorlin syndrome. Last evaluated: 2022-03-07. Review status: criteria provided, single submitter. Criteria: Invitae Variant Classification Sherloc (09022015). Collection method: clinical testing. Allele origin: germline.
Comment: In summary, the available evidence is currently insufficient to determine the role of this variant in disease. Therefore, it has been classified as a Variant of Uncertain Significance. Advanced modeling of protein sequence and biophysical properties (such as structural, functional, and spatial information, amino acid conservation, physicochemical variation, residue mobility, and thermodynamic stability) performed at Invitae indicates that this missense variant is not expected to disrupt PTCH1 protein function. ClinVar contains an entry for this variant (Variation ID: 1002711). This variant has not been reported in the literature in individuals affected with PTCH1-related conditions. This variant is not present in population databases (gnomAD no frequency). This sequence change replaces phenylalanine, which is neutral and non-polar, with leucine, which is neutral and non-polar, at codon 743 of the PTCH1 protein (p.Phe743Leu).

NM_000264.5(PTCH1):c.2227T>C (p.Phe743Leu)

Genes: PTCH1 (patched 1; minus strand), LOC100507346 (uncharacterized LOC100507346; plus strand). Cytogenetic location: 9q22.32.
Variant type: single nucleotide variant.
Coding change: c.2227T>C on transcript NM_000264.5 (MANE Select); coding-DNA position 2227, T replaced by C.
Protein change: p.Phe743Leu; replaces phenylalanine 743 with leucine.
Molecular consequence: missense variant. On other transcripts: non-coding transcript variant (2).
Genome position (GRCh38, 1-based): chr9:95,468,774, A>G on the plus strand (T>C on the coding strand, the complement: PTCH1 is on the minus strand). VCF-style: chr9-95468774-A-G. GRCh37 (hg19) VCF-style: chr9-98231056-A-G.
Other names: c.2029T>C, p.Phe677Leu (NM_001083602.3); c.2224T>C, p.Phe742Leu (NM_001083603.3); c.1774T>C, p.Phe592Leu (NM_001083604.3, NM_001083605.3, NM_001083606.3 and 1 more transcripts); c.2071T>C, p.Phe691Leu (NM_001354918.2); short protein forms F592L, F677L, F691L, F742L, F743L.
Identifiers: ClinVar variation 1002711 (VCV001002711.9), dbSNP rs1840271655, ClinGen allele CA374115246.